The following is an entry in ClinVar:

ClinVar aggregate classification (germline): Uncertain significance (1 of 4 stars; one submission).

Conditions:
Ataxia-telangiectasia syndrome (AT). Also called: Cerebello-oculocutaneous telangiectasia; Immunodeficiency with ataxia telangiectasia; Ataxia-telangiectasia, complementation group E; Ataxia-telangiectasia, complementation group D; AT, COMPLEMENTATION GROUP C; ATAXIA-TELANGIECTASIA, COMPLEMENTATION GROUP A. Identifiers: Orphanet 100, MedGen C0004135, MONDO:0008840, OMIM 208900.

Submission:

Labcorp Genetics (formerly Invitae), Labcorp
Classification: Uncertain significance for Ataxia-telangiectasia syndrome. Last evaluated: 2024-02-20. Review status: criteria provided, single submitter. Criteria: Invitae Variant Classification Sherloc (09022015). Collection method: clinical testing. Allele origin: germline.
Comment: This variant, c.6256_6261del, results in the deletion of 2 amino acid(s) of the ATM protein (p.Tyr2086_Glu2087del), but otherwise preserves the integrity of the reading frame. This variant is not present in population databases (gnomAD no frequency). This variant has not been reported in the literature in individuals affected with ATM-related conditions. ClinVar contains an entry for this variant (Variation ID: 524407). Experimental studies and prediction algorithms are not available or were not evaluated, and the functional significance of this variant is currently unknown. In summary, the available evidence is currently insufficient to determine the role of this variant in disease. Therefore, it has been classified as a Variant of Uncertain Significance.

NM_000051.4(ATM):c.6256_6261del (p.Tyr2086_Glu2087del)

Genes: ATM (ATM serine/threonine kinase; plus strand), C11orf65 (chromosome 11 open reading frame 65; minus strand). Cytogenetic location: 11q22.3.
Variant type: Deletion.
Coding change: c.6256_6261del on transcript NM_000051.4 (MANE Select); coding-DNA positions 6256 to 6261, 6 bases deleted (TATGAA; older notation c.6256_6261delTATGAA).
Protein change: p.Tyr2086_Glu2087del.
Molecular consequence: inframe deletion. On other transcripts: intron variant (2).
Genome position (GRCh38, 1-based): chr11:108,317,430-108,317,435, TATGAA deleted. VCF-style (leftmost placement, unchanged base first): chr11-108317429-TTATGAA-T. GRCh37 (hg19) VCF-style: chr11-108188156-TTATGAA-T.
Other names: c.6256_6261del, p.Tyr2086_Glu2087del (NM_001351834.2); c.641-8364_641-8359del (NM_001330368.2); c.*39-8364_*39-8359del (NM_001351110.2).
Identifiers: ClinVar variation 524407 (VCV000524407.7), dbSNP rs1555114670, ClinGen allele CA658797735.
Genomic context (GRCh38, chr11:108,317,429, plus strand): 5'-TTAGGCCTTGCAGAATTTGGGACTCTGCCATATTCTTTCCGTCTATTTAAAAGGATTGGA[TTATGAA>T]AATAAAGACTGGTGTCCTGAACTAGAAGAACTTCATTACCAAGCAGCATGGAGGAATATG-3'